The following is an entry in ClinVar:

NM_020821.3(VPS13C):c.430T>G (p.Tyr144Asp)

Gene: VPS13C (vacuolar protein sorting 13 homolog C; minus strand). Cytogenetic location: 15q22.2.
Variant type: single nucleotide variant.
Coding change: c.430T>G on transcript NM_020821.3 (MANE Select); coding-DNA position 430, T replaced by G.
Protein change: p.Tyr144Asp; replaces tyrosine 144 with aspartic acid.
Molecular consequence: missense variant. On other transcripts: intron variant (2).
Genome position (GRCh38, 1-based): chr15:62,028,376, A>C on the plus strand (T>G on the coding strand, the complement: VPS13C is on the minus strand). VCF-style: chr15-62028376-A-C. GRCh37 (hg19) VCF-style: chr15-62320575-A-C.
Other names: c.430T>G, p.Tyr144Asp (NM_001018088.3); c.386-4856T>G (NM_017684.5, NM_018080.4); short protein forms Y144D.
Identifiers: ClinVar variation 3715299 (VCV003715299.8).
Genomic context (GRCh38, chr15:62,028,376, plus strand): 5'-ATATGTTTATATAGTTGAATATAATTAACCATGCATACCCACCAGGCTTGATGTCCTTGT[A>C]AACAAAGTTCTCCAAGCCATATATGAACTCCCCTGAATGTGTGCCTGCATCCCACATGGC-3'
Protein context (NP_065872.1, residues 134-154): EFIYGLENFV[Tyr144Asp]KDIKPGRKRK

ClinVar aggregate classification (germline): Uncertain significance. Review status: criteria provided, multiple submitters, no conflicts (2 of 4 stars). 2 submissions from 2 submitters: Uncertain significance (2). Last evaluated 2025-11-01.

gnomAD v4.1: 18 of 1,613,032 alleles (0.0011%); highest among the groups gnomAD compares: Non-Finnish European, 0.0013%; no homozygotes.

Submissions (2):

CeGaT Center for Human Genetics Tuebingen
Classification: Uncertain significance. Last evaluated: 2025-11-01. Review status: criteria provided, single submitter. Criteria: CeGaT Center For Human Genetics Tuebingen Variant Classification Criteria Version 2. Collection method: clinical testing. Allele origin: germline. Affected: yes. Observed: 1 variant allele.
Comment: VPS13C: PM2

Labcorp Genetics (formerly Invitae), Labcorp
Classification: Uncertain significance. Last evaluated: 2025-01-05. Review status: criteria provided, single submitter. Criteria: Invitae Variant Classification Sherloc (09022015). Collection method: clinical testing. Allele origin: germline.
Comment: This sequence change replaces tyrosine, which is neutral and polar, with aspartic acid, which is acidic and polar, at codon 144 of the VPS13C protein (p.Tyr144Asp). This variant is present in population databases (no rsID available, gnomAD 0.004%). This variant has not been reported in the literature in individuals affected with VPS13C-related conditions. An algorithm developed to predict the effect of missense changes on protein structure and function (PolyPhen-2) suggests that this variant is likely to be disruptive. In summary, the available evidence is currently insufficient to determine the role of this variant in disease. Therefore, it has been classified as a Variant of Uncertain Significance.